The following is an entry in ClinVar:

ClinVar aggregate classification (germline): Uncertain significance. Review status: criteria provided, multiple submitters, no conflicts (2 of 4 stars). 2 submissions from 2 submitters: Uncertain significance (2). Last evaluated 2023-12-21.

Conditions:
Inborn genetic diseases. Identifiers: MedGen C0950123, MeSH D030342.

Allele frequency attached by ClinVar (database versions not stated): ExAC 0.00001; gnomAD 0.00002.

Submissions (2):

Ambry Genetics
Classification: Uncertain significance for Inborn genetic diseases. Last evaluated: 2023-12-21. Review status: criteria provided, single submitter. Criteria: Ambry Variant Classification Scheme 2023. Collection method: clinical testing. Allele origin: germline.

Labcorp Genetics (formerly Invitae), Labcorp
Classification: Uncertain significance. Last evaluated: 2022-07-25. Review status: criteria provided, single submitter. Criteria: Invitae Variant Classification Sherloc (09022015). Collection method: clinical testing. Allele origin: germline.
Comment: In summary, the available evidence is currently insufficient to determine the role of this variant in disease. Therefore, it has been classified as a Variant of Uncertain Significance. Algorithms developed to predict the effect of missense changes on protein structure and function output the following: SIFT: "Deleterious"; PolyPhen-2: "Benign"; Align-GVGD: "Class C0". The cysteine amino acid residue is found in multiple mammalian species, which suggests that this missense change does not adversely affect protein function. This variant has not been reported in the literature in individuals affected with SLC34A1-related conditions. The frequency data for this variant in the population databases is considered unreliable, as metrics indicate poor data quality at this position in the gnomAD database. This sequence change replaces arginine, which is basic and polar, with cysteine, which is neutral and slightly polar, at codon 627 of the SLC34A1 protein (p.Arg627Cys).

NM_003052.5(SLC34A1):c.1879C>T (p.Arg627Cys)

Gene: SLC34A1 (solute carrier family 34 member 1; plus strand). Cytogenetic location: 5q35.3.
Variant type: single nucleotide variant.
Coding change: c.1879C>T on transcript NM_003052.5 (MANE Select); coding-DNA position 1879, C replaced by T.
Protein change: p.Arg627Cys; replaces arginine 627 with cysteine.
Molecular consequence: missense variant.
Genome position (GRCh38, 1-based): chr5:177,398,245, C>T. VCF-style: chr5-177398245-C-T. GRCh37 (hg19) VCF-style: chr5-176825246-C-T.
Other names: c.1879C>T (NM_003052.4); short protein forms R627C.
Identifiers: ClinVar variation 1944447 (VCV001944447.6), dbSNP rs540771067, ClinGen allele CA3580906.